The following is an entry in ClinVar:

NM_004304.5(ALK):c.1609G>A (p.Ala537Thr)

Gene: ALK (ALK receptor tyrosine kinase; minus strand). Cytogenetic location: 2p23.2.
Variant type: single nucleotide variant.
Coding change: c.1609G>A on transcript NM_004304.5 (MANE Select); coding-DNA position 1609, G replaced by A.
Protein change: p.Ala537Thr; replaces alanine 537 with threonine.
Molecular consequence: missense variant.
Genome position (GRCh38, 1-based): chr2:29,318,342, C>T on the plus strand (G>A on the coding strand, the complement: ALK is on the minus strand). VCF-style: chr2-29318342-C-T. GRCh37 (hg19) VCF-style: chr2-29541208-C-T.
Other names: short protein forms A537T.
Identifiers: ClinVar variation 2005566 (VCV002005566.4), dbSNP rs1666894456, ClinGen allele CA346471047.

ClinVar aggregate classification (germline): Uncertain significance (1 of 4 stars; one submission).

Conditions:
Neuroblastoma, susceptibility to, 3. Also called: ALK-Related Neuroblastic Tumor Susceptibility. Identifiers: Orphanet 635, MedGen C2751681, MONDO:0013083, OMIM 613014.

Allele frequency attached by ClinVar (database versions not stated): gnomAD exomes below 0.00001.
gnomAD v4.1: 2 of 1,614,090 alleles (0.00012%); highest among the groups gnomAD compares: East Asian, 0.0045%; no homozygotes.

Submission:

Labcorp Genetics (formerly Invitae), Labcorp
Classification: Uncertain significance for Neuroblastoma, susceptibility to, 3. Last evaluated: 2022-06-13. Review status: criteria provided, single submitter. Criteria: Invitae Variant Classification Sherloc (09022015). Collection method: clinical testing. Allele origin: germline.
Comment: This sequence change replaces alanine, which is neutral and non-polar, with threonine, which is neutral and polar, at codon 537 of the ALK protein (p.Ala537Thr). This variant is not present in population databases (gnomAD no frequency). This variant has not been reported in the literature in individuals affected with ALK-related conditions. Algorithms developed to predict the effect of missense changes on protein structure and function output the following: SIFT: "Tolerated"; PolyPhen-2: "Benign"; Align-GVGD: "Class C0". The threonine amino acid residue is found in multiple mammalian species, which suggests that this missense change does not adversely affect protein function. In summary, the available evidence is currently insufficient to determine the role of this variant in disease. Therefore, it has been classified as a Variant of Uncertain Significance.